The following is an entry in ClinVar:

NM_000217.3(KCNA1):c.*2313C>T

Gene: KCNA1 (potassium voltage-gated channel subfamily A member 1; plus strand). Cytogenetic location: 12p13.32.
Variant type: single nucleotide variant.
Coding change: c.*2313C>T on transcript NM_000217.3 (MANE Select); 2313 bases downstream of the stop codon, C replaced by T.
Molecular consequence: 3 prime UTR variant.
Genome position (GRCh38, 1-based): chr12:4,915,179, C>T. VCF-style: chr12-4915179-C-T. GRCh37 (hg19) VCF-style: chr12-5024345-C-T.
Identifiers: ClinVar variation 309188 (VCV000309188.6), dbSNP rs183989674, ClinGen allele CA10632975.

ClinVar aggregate classification (germline): Benign (1 of 4 stars; one submission).

Conditions:
Episodic ataxia type 1 (EA1). Also called: ATAXIA, EPISODIC, WITH MYOKYMIA; MYOKYMIA WITH PERIODIC ATAXIA; PAROXYSMAL ATAXIA WITH NEUROMYOTONIA, HEREDITARY; Episodic ataxia/myokymia syndrome. Identifiers: Orphanet 37612, Orphanet 972, MedGen C1719788, MONDO:0008047, OMIM 160120.

Allele frequency attached by ClinVar (database versions not stated): gnomAD exomes 0.00007; gnomAD 0.00022 and 0.00025; TOPMed 0.00035; 1000 Genomes Project 0.00060; 1000 Genomes Project 30x 0.00094.
gnomAD v4.1: 39 of 167,210 alleles (0.023%); highest among the groups gnomAD compares: East Asian, 0.73%; no homozygotes.

Submission:

Illumina Laboratory Services, Illumina
Classification: Benign for Episodic ataxia type 1. Last evaluated: 2018-01-12. Review status: criteria provided, single submitter. Criteria: ICSL Variant Classification Criteria 13 December 2019. Collection method: clinical testing. Allele origin: germline.
Comment: This variant was observed in the ICSL laboratory as part of a predisposition screen in an ostensibly healthy population. It had not been previously curated by ICSL or reported in the Human Gene Mutation Database (HGMD: prior to June 1st, 2018), and was therefore a candidate for classification through an automated scoring system. Utilizing variant allele frequency, disease prevalence and penetrance estimates, and inheritance mode, an automated score was calculated to assess if this variant is too frequent to cause the disease. Based on the score and internal cut-off values, a variant classified as benign is not then subjected to further curation. The score for this variant resulted in a classification of benign for this disease.